The following is an entry in ClinVar:

ClinVar aggregate classification (germline): Likely benign (0 of 4 stars; one submission).

Conditions:
NHS-related disorder. Also called: NHS-related condition.

Submission:

PreventionGenetics, part of Exact Sciences
Classification: Likely benign for NHS-related condition. Last evaluated: 2024-07-03. Review status: no assertion criteria provided. Collection method: clinical testing. Allele origin: germline.
Comment: This variant is classified as likely benign based on ACMG/AMP sequence variant interpretation guidelines (Richards et al. 2015 PMID: 25741868, with internal and published modifications).

NM_001291867.2(NHS):c.4050T>C (p.His1350=)

Gene: NHS (NHS actin remodeling regulator; plus strand). Cytogenetic location: Xp22.13.
Variant type: single nucleotide variant.
Coding change: c.4050T>C on transcript NM_001291867.2 (MANE Select); coding-DNA position 4050, T replaced by C.
Protein change: p.His1350=; no amino-acid change (histidine 1350 retained).
Molecular consequence: synonymous variant.
Genome position (GRCh38, 1-based): chrX:17,728,156, T>C. VCF-style: chrX-17728156-T-C. GRCh37 (hg19) VCF-style: chrX-17746276-T-C.
Other names: c.3519T>C, p.His1173= (NM_001136024.4); c.3456T>C, p.His1152= (NM_001291868.2); c.3987T>C, p.His1329= (NM_198270.4).
Identifiers: ClinVar variation 3346893 (VCV003346893.1).
Genomic context (GRCh38, chrX:17,728,156, plus strand): 5'-AACTAGAGCAACAGATGTAAGCAATCAATTTAAGCATCAATTTGTTATGAGCCGCCACCA[T>C]GACAAAGTGCCTGGTACTATCAGCTATGAATCGGAGATAACATCTGTAAATTCATTCCCT-3'
Protein context (NP_001278796.1, residues 1340-1360): FKHQFVMSRH[His1350=]DKVPGTISYE